The following is an entry in ClinVar:

NM_198253.3(TERT):c.1051A>G (p.Arg351Gly)

Gene: TERT (telomerase reverse transcriptase; minus strand). Cytogenetic location: 5p15.33.
Variant type: single nucleotide variant.
Coding change: c.1051A>G on transcript NM_198253.3 (MANE Select); coding-DNA position 1051, A replaced by G.
Protein change: p.Arg351Gly; replaces arginine 351 with glycine.
Molecular consequence: missense variant. On other transcripts: non-coding transcript variant (2).
Genome position (GRCh38, 1-based): chr5:1,293,835, T>C on the plus strand (A>G on the coding strand, the complement: TERT is on the minus strand). VCF-style: chr5-1293835-T-C. GRCh37 (hg19) VCF-style: chr5-1293950-T-C.
Other names: c.1051A>G, p.Arg351Gly (NM_001193376.3); short protein forms R351G.
Identifiers: ClinVar variation 658544 (VCV000658544.11), dbSNP rs1579597068, ClinGen allele CA359055789.

ClinVar aggregate classification (germline): Uncertain significance. Review status: criteria provided, multiple submitters, no conflicts (2 of 4 stars). 2 submissions from 2 submitters: Uncertain significance (2). Last evaluated 2023-10-16.

Conditions:
Dyskeratosis congenita, autosomal dominant 2. Identifiers: MedGen C3151443, MONDO:0013521, OMIM 613989.
Idiopathic Pulmonary Fibrosis. Also called: Idiopathic fibrosing alveolitis, chronic form; idiopathic fibrosing alveolitis. Identifiers: Orphanet 2032, MedGen C1800706, MeSH D054990, MONDO:0800504.
Dyskeratosis congenita. Identifiers: Orphanet 1775, MedGen C0265965, MONDO:0015780.

Allele frequency attached by ClinVar (database versions not stated): gnomAD exomes 0.00001.
gnomAD v4.1: 8 of 1,549,038 alleles (0.00052%); highest among the groups gnomAD compares: Non-Finnish European, 0.00061%; no homozygotes.

Submissions (2):

Labcorp Genetics (formerly Invitae), Labcorp
Classification: Uncertain significance for Dyskeratosis congenita, autosomal dominant 2; Idiopathic Pulmonary Fibrosis. Last evaluated: 2023-10-16. Review status: criteria provided, single submitter. Criteria: Invitae Variant Classification Sherloc (09022015). Collection method: clinical testing. Allele origin: germline.
Comment: This sequence change replaces arginine, which is basic and polar, with glycine, which is neutral and non-polar, at codon 351 of the TERT protein (p.Arg351Gly). This variant is not present in population databases (gnomAD no frequency). This variant has not been reported in the literature in individuals affected with TERT-related conditions. ClinVar contains an entry for this variant (Variation ID: 658544). Advanced modeling of protein sequence and biophysical properties (such as structural, functional, and spatial information, amino acid conservation, physicochemical variation, residue mobility, and thermodynamic stability) has been performed at Invitae for this missense variant, however the output from this modeling did not meet the statistical confidence thresholds required to predict the impact of this variant on TERT protein function. In summary, the available evidence is currently insufficient to determine the role of this variant in disease. Therefore, it has been classified as a Variant of Uncertain Significance.

Ambry Genetics
Classification: Uncertain significance for Dyskeratosis congenita. Last evaluated: 2022-01-11. Review status: criteria provided, single submitter. Criteria: Ambry Variant Classification Scheme 2023. Collection method: clinical testing. Allele origin: germline.
Comment: The p.R351G variant (also known as c.1051A>G), located in coding exon 2 of the TERT gene, results from an A to G substitution at nucleotide position 1051. The arginine at codon 351 is replaced by glycine, an amino acid with dissimilar properties. This amino acid position is conserved. In addition, this alteration is predicted to be tolerated by in silico analysis. Since supporting evidence is limited at this time, the clinical significance of this alteration remains unclear.